The following is an entry in ClinVar:

ClinVar aggregate classification (germline): Uncertain significance (1 of 4 stars; one submission).

Conditions:
Hereditary cancer-predisposing syndrome. Also called: Tumor predisposition; Neoplastic Syndromes, Hereditary; Hereditary neoplastic syndrome; Hereditary Cancer Syndrome. Identifiers: Orphanet 140162, MedGen C0027672, MeSH D009386, MONDO:0015356.

Submission:

Ambry Genetics
Classification: Uncertain significance for Hereditary cancer-predisposing syndrome. Last evaluated: 2024-07-11. Review status: criteria provided, single submitter. Criteria: Ambry Variant Classification Scheme 2023. Collection method: clinical testing. Allele origin: germline.
Comment: The p.V4L variant (also known as c.10G>C), located in coding exon 1 of the SDHB gene, results from a G to C substitution at nucleotide position 10. The valine at codon 4 is replaced by leucine, an amino acid with highly similar properties. This amino acid position is conserved. In addition, the in silico prediction for this alteration is inconclusive. Based on the available evidence, the clinical significance of this variant remains unclear.

NM_003000.3(SDHB):c.10G>C (p.Val4Leu)

Gene: SDHB (succinate dehydrogenase complex iron sulfur subunit B; minus strand). Cytogenetic location: 1p36.13.
Variant type: single nucleotide variant.
Coding change: c.10G>C on transcript NM_003000.3 (MANE Select); coding-DNA position 10, G replaced by C.
Protein change: p.Val4Leu; replaces valine 4 with leucine.
Molecular consequence: missense variant.
Genome position (GRCh38, 1-based): chr1:17,054,010, C>G on the plus strand (G>C on the coding strand, the complement: SDHB is on the minus strand). VCF-style: chr1-17054010-C-G. GRCh37 (hg19) VCF-style: chr1-17380505-C-G.
Other names: c.10G>C, p.Val4Leu (NM_001407361.1); short protein forms V4L.
Identifiers: ClinVar variation 3438752 (VCV003438752.1).